The following is an entry in ClinVar:

NM_004655.4(AXIN2):c.2420A>C (p.Lys807Thr)

Gene: AXIN2 (axin 2; minus strand). Cytogenetic location: 17q24.1.
Variant type: single nucleotide variant.
Coding change: c.2420A>C on transcript NM_004655.4 (MANE Select); coding-DNA position 2420, A replaced by C.
Protein change: p.Lys807Thr; replaces lysine 807 with threonine.
Molecular consequence: missense variant.
Genome position (GRCh38, 1-based): chr17:65,530,088, T>G on the plus strand (A>C on the coding strand, the complement: AXIN2 is on the minus strand). VCF-style: chr17-65530088-T-G. GRCh37 (hg19) VCF-style: chr17-63526206-T-G.
Other names: c.2225A>C, p.Lys742Thr (NM_001363813.1); c.2420A>C (LRG_296t1); short protein forms K807T, K742T.
Identifiers: ClinVar variation 464610 (VCV000464610.21), dbSNP rs780367025, ClinGen allele CA8718291.

ClinVar aggregate classification (germline): Uncertain significance. Review status: criteria provided, multiple submitters, no conflicts (2 of 4 stars). 4 submissions from 4 submitters: Uncertain significance (4). Last evaluated 2026-03-25.

Conditions:
Hereditary cancer-predisposing syndrome. Also called: Tumor predisposition; Hereditary neoplastic syndrome; Neoplastic Syndromes, Hereditary; Hereditary Cancer Syndrome. Identifiers: Orphanet 140162, MedGen C0027672, MeSH D009386, MONDO:0015356.
Oligodontia-cancer predisposition syndrome. Also called: TOOTH AGENESIS-COLORECTAL CANCER SYNDROME. Identifiers: Orphanet 300576, MedGen C1837750, MONDO:0012075, OMIM 608615. Disease mechanism: loss of function.

gnomAD v4.1: 11 of 1,614,162 alleles (0.00068%); highest among the groups gnomAD compares: Non-Finnish European, 0.00068%; no homozygotes.

Submissions (4):

Ambry Genetics
Classification: Uncertain significance for Hereditary cancer-predisposing syndrome. Last evaluated: 2026-03-25. Review status: criteria provided, single submitter. Criteria: Ambry Variant Classification Scheme 2023. Collection method: clinical testing. Allele origin: germline.
Comment: The p.K807T variant (also known as c.2420A>C), located in coding exon 10 of the AXIN2 gene, results from an A to C substitution at nucleotide position 2420. The lysine at codon 807 is replaced by threonine, an amino acid with similar properties. This amino acid position is well conserved in available vertebrate species. In addition, this alteration is predicted to be tolerated by in silico analysis. Based on the available evidence, the clinical significance of this variant remains unclear.

Labcorp Genetics (formerly Invitae), Labcorp
Classification: Uncertain significance for Oligodontia-cancer predisposition syndrome. Last evaluated: 2025-08-07. Review status: criteria provided, single submitter. Criteria: Invitae Variant Classification Sherloc (09022015). Collection method: clinical testing. Allele origin: germline.
Comment: This sequence change replaces lysine, which is basic and polar, with threonine, which is neutral and polar, at codon 807 of the AXIN2 protein (p.Lys807Thr). This variant is present in population databases (rs780367025, gnomAD 0.004%). This variant has not been reported in the literature in individuals affected with AXIN2-related conditions. ClinVar contains an entry for this variant (Variation ID: 464610). Invitae Evidence Modeling of protein sequence and biophysical properties (such as structural, functional, and spatial information, amino acid conservation, physicochemical variation, residue mobility, and thermodynamic stability) indicates that this missense variant is not expected to disrupt AXIN2 protein function with a negative predictive value of 80%. In summary, the available evidence is currently insufficient to determine the role of this variant in disease. Therefore, it has been classified as a Variant of Uncertain Significance.

Center for Genomic Medicine, Rigshospitalet, Copenhagen University Hospital
Classification: Uncertain significance. Last evaluated: 2025-03-04. Review status: criteria provided, single submitter. Criteria: ACMG Guidelines, 2015. Collection method: clinical testing. Allele origin: germline.

GeneDx
Classification: Uncertain significance. Last evaluated: 2024-01-16. Review status: criteria provided, single submitter. Criteria: GeneDx Variant Classification Process June 2021. Collection method: clinical testing. Allele origin: germline. Affected: yes.
Comment: Not observed at significant frequency in large population cohorts (gnomAD); In silico analysis supports that this missense variant has a deleterious effect on protein structure/function; Has not been previously published as pathogenic or benign to our knowledge; This variant is associated with the following publications: (PMID: 15735151)